The following is an entry in ClinVar:

ClinVar aggregate classification (germline): Uncertain significance. Review status: criteria provided, multiple submitters, no conflicts (2 of 4 stars). 6 submissions from 6 submitters: Uncertain significance (5). 1 of the submissions does not count toward it. Last evaluated 2025-11-04.

Conditions:
Classic or attenuated familial adenomatous polyposis. Identifiers: MedGen CN372698, MONDO:0021057.
Hereditary cancer-predisposing syndrome. Also called: Hereditary neoplastic syndrome; Tumor predisposition; Hereditary Cancer Syndrome; Neoplastic Syndromes, Hereditary. Identifiers: Orphanet 140162, MedGen C0027672, MeSH D009386, MONDO:0015356.
Familial adenomatous polyposis 1 (FAP1). Also called: FAMILIAL ADENOMATOUS POLYPOSIS 1, ATTENUATED; POLYPOSIS, ADENOMATOUS INTESTINAL. Identifiers: MedGen C2713442, MONDO:0021056, OMIM 175100. Disease mechanism: loss of function.

Allele frequency attached by ClinVar (database versions not stated): ExAC 0.00001; gnomAD exomes 0.00001.

Submissions (6):

Labcorp Genetics (formerly Invitae), Labcorp
Classification: Uncertain significance for Familial adenomatous polyposis 1. Last evaluated: 2025-11-04. Review status: criteria provided, single submitter. Criteria: Invitae Variant Classification Sherloc (09022015). Collection method: clinical testing. Allele origin: germline.
Comment: This sequence change replaces glycine, which is neutral and non-polar, with valine, which is neutral and non-polar, at codon 2360 of the APC protein (p.Gly2360Val). This variant is present in population databases (rs750960862, gnomAD 0.003%). This variant has not been reported in the literature in individuals affected with APC-related conditions. ClinVar contains an entry for this variant (Variation ID: 220060). Invitae Evidence Modeling of protein sequence and biophysical properties (such as structural, functional, and spatial information, amino acid conservation, physicochemical variation, residue mobility, and thermodynamic stability) indicates that this missense variant is not expected to disrupt APC protein function with a negative predictive value of 95%. In summary, the available evidence is currently insufficient to determine the role of this variant in disease. Therefore, it has been classified as a Variant of Uncertain Significance.

Ambry Genetics
Classification: Uncertain significance for Hereditary cancer-predisposing syndrome. Last evaluated: 2024-10-21. Review status: criteria provided, single submitter. Criteria: Ambry Variant Classification Scheme 2023. Collection method: clinical testing. Allele origin: germline.
Comment: The p.G2360V variant (also known as c.7079G>T), located in coding exon 15 of the APC gene, results from a G to T substitution at nucleotide position 7079. The glycine at codon 2360 is replaced by valine, an amino acid with dissimilar properties. This amino acid position is well conserved in available vertebrate species. In addition, in silico predictors for this gene do not accurately predict pathogenicity. Based on the available evidence, the clinical significance of this variant remains unclear.

All of Us Research Program, National Institutes of Health
Classification: Uncertain significance for Classic or attenuated familial adenomatous polyposis. Last evaluated: 2023-09-18. Review status: criteria provided, single submitter. Criteria: ACMG Guidelines, 2015. Collection method: clinical testing. Allele origin: germline. Inheritance: Autosomal dominant inheritance. Observed: 1 variant allele, 1 heterozygote.
Comment: This missense variant replaces glycine with valine at codon 2360 of the APC protein. Computational prediction suggests that this variant may not impact protein structure and function (internally defined REVEL score threshold <= 0.5, PMID: 27666373). To our knowledge, functional studies have not been reported for this variant. This variant has not been reported in individuals affected with APC-related disorders in the literature. This variant has been identified in 3/249484 chromosomes in the general population by the Genome Aggregation Database (gnomAD). The available evidence is insufficient to determine the role of this variant in disease conclusively. Therefore, this variant is classified as a Variant of Uncertain Significance.

This study involves interpretation of variants in research participants for the purpose of population health screening. Participant phenotype was not available at the time of variant classification. Additional details can be found in publication PMID: 35346344, PMCID: PMC8962531

Myriad Genetics, Inc.
Classification: Uncertain significance for Familial adenomatous polyposis 1. Last evaluated: 2023-02-15. Review status: criteria provided, single submitter. Criteria: Myriad Autosomal Dominant, Autosomal Recessive and X-Linked Classification Criteria (2023). Collection method: clinical testing. Allele origin: unknown.
Comment: This variant is classified as a variant of uncertain significance as there is insufficient evidence to determine its impact on protein function and/or cancer risk.

GeneDx
Classification: Uncertain significance. Last evaluated: 2022-05-16. Review status: criteria provided, single submitter. Criteria: GeneDx Variant Classification Process June 2021. Collection method: clinical testing. Allele origin: germline. Affected: yes.
Comment: Not observed at significant frequency in large population cohorts (gnomAD); In silico analysis supports that this missense variant does not alter protein structure/function; Has not been previously published as pathogenic or benign to our knowledge; This variant is associated with the following publications: (PMID: 18199528)

Counsyl
Classification: Uncertain significance for Familial adenomatous polyposis 1. Last evaluated: 2017-10-17. Review status: no assertion criteria provided. Collection method: clinical testing. Allele origin: unknown. Not counted in ClinVar's aggregate classification.

NM_000038.6(APC):c.7079G>T (p.Gly2360Val)

Gene: APC (APC regulator of Wnt signaling pathway; plus strand). Cytogenetic location: 5q22.2.
Variant type: single nucleotide variant.
Coding change: c.7079G>T on transcript NM_000038.6 (MANE Select); coding-DNA position 7079, G replaced by T.
Protein change: p.Gly2360Val; replaces glycine 2360 with valine.
Molecular consequence: missense variant.
Genome position (GRCh38, 1-based): chr5:112,842,673, G>T. VCF-style: chr5-112842673-G-T. GRCh37 (hg19) VCF-style: chr5-112178370-G-T.
Other names: c.6956G>T, p.Gly2319Val (NM_001354900.2); c.7079G>T, p.Gly2360Val (NM_001127510.3, NM_001354895.2); c.7025G>T, p.Gly2342Val (NM_001127511.3); c.6902G>T, p.Gly2301Val (NM_001354901.2); c.6806G>T, p.Gly2269Val (NM_001354902.2); c.6599G>T, p.Gly2200Val (NM_001354905.2); c.6776G>T, p.Gly2259Val (NM_001354903.2); c.6701G>T, p.Gly2234Val (NM_001354904.2); and 5 more; short protein forms G2342V, G2360V, G2301V, G2319V, G2077V, G2259V, G2269V, G2335V.
Identifiers: ClinVar variation 220060 (VCV000220060.17), dbSNP rs750960862, ClinGen allele CA046806.